The following is an entry in ClinVar:

ClinVar aggregate classification (germline): Conflicting classifications of pathogenicity. Review status: criteria provided, conflicting classifications (1 of 4 stars). 3 submissions from 3 submitters: Pathogenic (1); Likely pathogenic (1); Uncertain significance (1). Last evaluated 2022-11-01.

Conditions:
Inborn genetic diseases. Identifiers: MedGen C0950123, MeSH D030342.
Generalized epilepsy with febrile seizures plus, type 2 (GEFSP2). Also called: GEFS+, TYPE 2. Identifiers: Orphanet 36387, MedGen C1858673, MONDO:0011461, OMIM 604403.

Allele frequency attached by ClinVar (database versions not stated): gnomAD exomes below 0.00001; ExAC 0.00001.

Submissions (3):

CeGaT Center for Human Genetics Tuebingen
Classification: Likely pathogenic. Last evaluated: 2022-11-01. Review status: criteria provided, single submitter. Criteria: CeGaT Center For Human Genetics Tuebingen Variant Classification Criteria Version 2. Collection method: clinical testing. Allele origin: germline. Affected: yes. Observed: 1 variant allele.
Comment: SCN1A: PP1:Strong, PM2, PP2

Ambry Genetics
Classification: Uncertain significance for Inborn genetic diseases. Last evaluated: 2017-05-17. Review status: criteria provided, single submitter. Criteria: Ambry Variant Classification Scheme 2023. Collection method: clinical testing. Allele origin: germline.
Comment: The p.P1177R variant (also known as c.3530C>G), located in coding exon 17 of the SCN1A gene, results from a C to G substitution at nucleotide position 3530. The proline at codon 1177 is replaced by arginine, an amino acid with dissimilar properties. This amino acid position is highly conserved in available vertebrate species. In addition, this alteration is predicted to be deleterious by in silico analysis. Since supporting evidence is limited at this time, the clinical significance of this alteration remains unclear.

Center for Statistical Genetics, Columbia University
Classification: Pathogenic for Generalized epilepsy with febrile seizures plus, type 2. Review status: criteria provided, single submitter. Criteria: ACMG Guidelines, 2015. Collection method: clinical testing. Allele origin: inherited. Inheritance: Autosomal dominant inheritance. Affected: yes.

NM_001165963.4(SCN1A):c.3530C>G (p.Pro1177Arg)

Genes: SCN1A (sodium voltage-gated channel alpha subunit 1; minus strand), LOC102724058 (uncharacterized LOC102724058; plus strand). Cytogenetic location: 2q24.3.
Variant type: single nucleotide variant.
Coding change: c.3530C>G on transcript NM_001165963.4 (MANE Select); coding-DNA position 3530, C replaced by G.
Protein change: p.Pro1177Arg; replaces proline 1177 with arginine.
Molecular consequence: missense variant. On other transcripts: non-coding transcript variant (2).
Genome position (GRCh38, 1-based): chr2:166,015,627, G>C on the plus strand (C>G on the coding strand, the complement: SCN1A is on the minus strand). VCF-style: chr2-166015627-G-C. GRCh37 (hg19) VCF-style: chr2-166872137-G-C.
Other names: c.3446C>G, p.Pro1149Arg (NM_001165964.3, NM_001353957.2, NM_001353958.2); c.3530C>G, p.Pro1177Arg (NM_001202435.3, NM_001353948.2); c.3497C>G, p.Pro1166Arg (NM_001353949.2, NM_001353950.2, NM_001353951.2 and 2 more transcripts); c.3494C>G, p.Pro1165Arg (NM_001353954.2, NM_001353955.2); c.3443C>G, p.Pro1148Arg (NM_001353960.2); c.1088C>G, p.Pro363Arg (NM_001353961.2); short protein forms P1166R, P1177R, P1148R, P1149R, P1165R, P363R.
Identifiers: ClinVar variation 521780 (VCV000521780.38), dbSNP rs752060724, ClinGen allele CA1942938.